The following is an entry in ClinVar:

ClinVar aggregate classification (germline): Uncertain significance (1 of 4 stars; one submission).

Conditions:
Primary ciliary dyskinesia. Also called: Ciliary dyskinesia. Identifiers: Orphanet 244, MedGen C0008780, MONDO:0016575, HP:0012265.

Submission:

Labcorp Genetics (formerly Invitae), Labcorp
Classification: Uncertain significance for Primary ciliary dyskinesia. Last evaluated: 2022-06-05. Review status: criteria provided, single submitter. Criteria: Invitae Variant Classification Sherloc (09022015). Collection method: clinical testing. Allele origin: germline.
Comment: This sequence change replaces arginine, which is basic and polar, with leucine, which is neutral and non-polar, at codon 52 of the DRC1 protein (p.Arg52Leu). This variant also falls at the last nucleotide of exon 1, which is part of the consensus splice site for this exon. This variant is not present in population databases (gnomAD no frequency). In summary, the available evidence is currently insufficient to determine the role of this variant in disease. Therefore, it has been classified as a Variant of Uncertain Significance. Variants that disrupt the consensus splice site are a relatively common cause of aberrant splicing (PMID: 17576681, 9536098). Algorithms developed to predict the effect of missense changes on protein structure and function are either unavailable or do not agree on the potential impact of this missense change (SIFT: "Deleterious"; PolyPhen-2: "Probably Damaging"; Align-GVGD: "Class C0"). This variant has not been reported in the literature in individuals affected with DRC1-related conditions.

Literature cited by the submitters: PubMed 17576681; PubMed 9536098.

NM_145038.5(DRC1):c.155G>T (p.Arg52Leu)

Gene: DRC1 (dynein regulatory complex subunit 1; plus strand). Cytogenetic location: 2p23.3.
Variant type: single nucleotide variant.
Coding change: c.155G>T on transcript NM_145038.5 (MANE Select); coding-DNA position 155, G replaced by T.
Protein change: p.Arg52Leu; replaces arginine 52 with leucine.
Molecular consequence: missense variant.
Genome position (GRCh38, 1-based): chr2:26,402,144, G>T. VCF-style: chr2-26402144-G-T. GRCh37 (hg19) VCF-style: chr2-26625012-G-T.
Other names: short protein forms R52L.
Identifiers: ClinVar variation 2000431 (VCV002000431.4), dbSNP rs1341994586, ClinGen allele CA346126737.
Genomic context (GRCh38, chr2:26,402,144, plus strand): 5'-CTCAGGAGCGCATCCAGGCCCGGCGCCTCCGCATCGCTGCGCGCTTAGAAGCCCGGAGGC[G>T]GTGAGCGCGGGGGCGGGCGGGGCGGGATCCGCGCCGCAGGAGCCGGAGAAGGGCTGGTTT-3'
Protein context (NP_659475.2, residues 42-62): RIAARLEARR[Arg52Leu]EALGEYLDGK